The following is an entry in ClinVar:

NM_001378030.1(CCDC78):c.1060G>A (p.Gly354Arg)

Gene: CCDC78 (coiled-coil domain containing 78; minus strand). Cytogenetic location: 16p13.3.
Variant type: single nucleotide variant.
Coding change: c.1060G>A on transcript NM_001378030.1 (MANE Select); coding-DNA position 1060, G replaced by A.
Protein change: p.Gly354Arg; replaces glycine 354 with arginine.
Molecular consequence: missense variant. On other transcripts: non-coding transcript variant (5), intron variant (1).
Genome position (GRCh38, 1-based): chr16:723,930, C>T on the plus strand (G>A on the coding strand, the complement: CCDC78 is on the minus strand). VCF-style: chr16-723930-C-T. GRCh37 (hg19) VCF-style: chr16-773930-C-T.
Other names: c.1060G>A, p.Gly354Arg (NM_001031737.3); c.493G>A, p.Gly165Arg (NM_001378033.1); c.953+392G>A (NM_001378031.1); short protein forms G165R, G354R.
Identifiers: ClinVar variation 849337 (VCV000849337.9), dbSNP rs199867890, ClinGen allele CA7789269.

ClinVar aggregate classification (germline): Uncertain significance (1 of 4 stars; one submission).

Conditions:
Congenital myopathy with internal nuclei and atypical cores. Also called: Myopathy, centronuclear, 4. Identifiers: Orphanet 319160, MedGen C4707232, MONDO:0013890, OMIM 614807.

Allele frequency attached by ClinVar (database versions not stated): gnomAD 0.00001; gnomAD exomes 0.00003 and 0.00005; TOPMed 0.00003; ESP Exome Variant Server 0.00008; ExAC 0.00012.

Submission:

Labcorp Genetics (formerly Invitae), Labcorp
Classification: Uncertain significance for Congenital myopathy with internal nuclei and atypical cores. Last evaluated: 2025-12-07. Review status: criteria provided, single submitter. Criteria: Invitae Variant Classification Sherloc (09022015). Collection method: clinical testing. Allele origin: germline.
Comment: This sequence change replaces glycine, which is neutral and non-polar, with arginine, which is basic and polar, at codon 354 of the CCDC78 protein (p.Gly354Arg). This variant is present in population databases (rs199867890, gnomAD 0.02%). This variant has not been reported in the literature in individuals affected with CCDC78-related conditions. ClinVar contains an entry for this variant (Variation ID: 849337). Invitae Evidence Modeling of protein sequence and biophysical properties (such as structural, functional, and spatial information, amino acid conservation, physicochemical variation, residue mobility, and thermodynamic stability) indicates that this missense variant is not expected to disrupt CCDC78 protein function with a negative predictive value of 80%. In summary, the available evidence is currently insufficient to determine the role of this variant in disease. Therefore, it has been classified as a Variant of Uncertain Significance.